The following is an entry in ClinVar:

ClinVar aggregate classification (germline): Uncertain significance (1 of 4 stars; one submission).

Conditions:
Familial adenomatous polyposis 1 (FAP1). Also called: FAMILIAL ADENOMATOUS POLYPOSIS 1, ATTENUATED; POLYPOSIS, ADENOMATOUS INTESTINAL. Identifiers: MedGen C2713442, MONDO:0021056, OMIM 175100. Disease mechanism: loss of function.

Submission:

Labcorp Genetics (formerly Invitae), Labcorp
Classification: Uncertain significance for Familial adenomatous polyposis 1. Last evaluated: 2025-12-13. Review status: criteria provided, single submitter. Criteria: Invitae Variant Classification Sherloc (09022015). Collection method: clinical testing. Allele origin: germline.
Comment: This variant occurs in a non-coding region of the APC gene. It does not change the encoded amino acid sequence of the APC protein. This variant is not present in population databases (gnomAD no frequency). This variant has not been reported in the literature in individuals affected with APC-related conditions. Experimental studies and prediction algorithms are not available or were not evaluated, and the functional significance of this variant is currently unknown. In summary, the available evidence is currently insufficient to determine the role of this variant in disease. Therefore, it has been classified as a Variant of Uncertain Significance.

NC_000005.10:g.112707401C>A

Gene: APC (APC regulator of Wnt signaling pathway; plus strand). Cytogenetic location: 5q22.2.
Variant type: single nucleotide variant.
Genome position: GRCh38 VCF-style: chr5-112707401-C-A. GRCh37 (hg19) VCF-style: chr5-112043098-C-A.
Identifiers: ClinVar variation 3722359 (VCV003722359.2).